The following is an entry in ClinVar:

ClinVar aggregate classification (germline): Uncertain significance (1 of 4 stars; one submission).

Submission:

GeneDx
Classification: Uncertain significance. Last evaluated: 2022-11-08. Review status: criteria provided, single submitter. Criteria: GeneDx Variant Classification Process June 2021. Collection method: clinical testing. Allele origin: germline. Affected: yes.
Comment: Not observed at significant frequency in large population cohorts (gnomAD); In silico analysis supports that this missense variant has a deleterious effect on protein structure/function; Has not been previously published as pathogenic or benign to our knowledge

NM_001130438.3(SPTAN1):c.4139G>A (p.Arg1380Gln)

Gene: SPTAN1 (spectrin alpha, non-erythrocytic 1; plus strand). Cytogenetic location: 9q34.11.
Variant type: single nucleotide variant.
Coding change: c.4139G>A on transcript NM_001130438.3 (MANE Select); coding-DNA position 4139, G replaced by A.
Protein change: p.Arg1380Gln; replaces arginine 1380 with glutamine.
Molecular consequence: missense variant.
Genome position (GRCh38, 1-based): chr9:128,607,696, G>A. VCF-style: chr9-128607696-G-A. GRCh37 (hg19) VCF-style: chr9-131369975-G-A.
Other names: c.4079G>A, p.Arg1360Gln (NM_001195532.2, NM_001363765.2, NM_001375314.2); c.4139G>A, p.Arg1380Gln (NM_001363759.2, NM_001375310.1, NM_001375311.2 and 2 more transcripts); c.4175G>A, p.Arg1392Gln (NM_001375312.2, NM_001375318.1); short protein forms R1360Q, R1380Q, R1392Q.
Identifiers: ClinVar variation 2501587 (VCV002501587.1), dbSNP rs2541743606, ClinGen allele CA375066018.